The following is an entry in ClinVar:

NM_005546.4(ITK):c.768+3A>G

Gene: ITK (IL2 inducible T cell kinase; plus strand). Cytogenetic location: 5q33.3.
Variant type: single nucleotide variant.
Coding change: c.768+3A>G on transcript NM_005546.4 (MANE Select); 3 bases into the intron after coding-DNA position 768, A replaced by G.
Molecular consequence: intron variant.
Genome position (GRCh38, 1-based): chr5:157,232,397, A>G. VCF-style: chr5-157232397-A-G. GRCh37 (hg19) VCF-style: chr5-156659407-A-G.
Identifiers: ClinVar variation 858563 (VCV000858563.10), dbSNP rs374214545, ClinGen allele CA3532880.

ClinVar aggregate classification (germline): Conflicting classifications of pathogenicity. Review status: criteria provided, conflicting classifications (1 of 4 stars). 4 submissions from 4 submitters: Uncertain significance (3); Likely benign (1). Last evaluated 2024-06-12.

Conditions:
Autoinflammatory syndrome. Identifiers: Orphanet 93665, MedGen C3890737, MONDO:0019751.
Lymphoproliferative syndrome 1 (LPFS1). Identifiers: Orphanet 238505, Orphanet 538963, MedGen C3552634, MONDO:0013081, OMIM 613011.

Allele frequency attached by ClinVar (database versions not stated): gnomAD 0.00006 and 0.00007; gnomAD exomes 0.00010 and 0.00011; TOPMed 0.00010; ExAC 0.00019; ESP Exome Variant Server 0.00031.
gnomAD v4.1: 144 of 1,589,168 alleles (0.0091%); highest among the groups gnomAD compares: Admixed American, 0.022%; no homozygotes.

Submissions (4):

Blueprint Genetics
Classification: Likely benign. Last evaluated: 2024-06-12. Review status: criteria provided, single submitter. Criteria: ACMG Guidelines, 2015. Collection method: clinical testing. Allele origin: germline.

Women's Health and Genetics/Laboratory Corporation of America, LabCorp
Classification: Uncertain significance. Last evaluated: 2024-01-19. Review status: criteria provided, single submitter. Criteria: LabCorp Variant Classification Summary - May 2015. Collection method: clinical testing. Allele origin: germline.
Comment: Variant summary: ITK c.768+3A>G alters a conserved nucleotide located close to a canonical splice site and therefore could affect mRNA splicing, leading to a significantly altered protein sequence. Several computational tools predict a significant impact on normal splicing: two predict the variant weakens a 5' donor site. However, these predictions have yet to be confirmed by functional studies. The variant allele was found at a frequency of 0.00011 in 247830 control chromosomes (gnomAD). The available data on variant occurrences in the general population are insufficient to allow any conclusion about variant significance. To our knowledge, no occurrence of c.768+3A>G in individuals affected with Lymphoproliferative Syndrome 1 and no experimental evidence demonstrating its impact on protein function have been reported. ClinVar contains an entry for this variant (Variation ID: 858563). Based on the evidence outlined above, the variant was classified as uncertain significance.

Labcorp Genetics (formerly Invitae), Labcorp
Classification: Uncertain significance for Lymphoproliferative syndrome 1. Last evaluated: 2023-12-28. Review status: criteria provided, single submitter. Criteria: Invitae Variant Classification Sherloc (09022015). Collection method: clinical testing. Allele origin: germline.
Comment: This sequence change falls in intron 8 of the ITK gene. It does not directly change the encoded amino acid sequence of the ITK protein. It affects a nucleotide within the consensus splice site. This variant is present in population databases (rs374214545, gnomAD 0.03%). This variant has not been reported in the literature in individuals affected with ITK-related conditions. ClinVar contains an entry for this variant (Variation ID: 858563). Variants that disrupt the consensus splice site are a relatively common cause of aberrant splicing (PMID: 17576681, 9536098). Algorithms developed to predict the effect of sequence changes on RNA splicing suggest that this variant is not likely to affect RNA splicing. In summary, the available evidence is currently insufficient to determine the role of this variant in disease. Therefore, it has been classified as a Variant of Uncertain Significance.

Genome Diagnostics Laboratory, The Hospital for Sick Children
Classification: Uncertain significance for Autoinflammatory syndrome. Last evaluated: 2022-04-19. Review status: criteria provided, single submitter. Criteria: ACMG Guidelines, 2015. Collection method: clinical testing. Allele origin: germline. Affected: yes.

Literature cited by the submitters: PubMed 17576681 (cited by Labcorp Genetics (formerly Invitae), Labcorp); PubMed 9536098 (cited by Labcorp Genetics (formerly Invitae), Labcorp).